The following is an entry in ClinVar:

NM_001927.4(DES):c.1396C>T (p.Gln466Ter)

Gene: DES (desmin; plus strand). Cytogenetic location: 2q35.
Variant type: single nucleotide variant.
Coding change: c.1396C>T on transcript NM_001927.4 (MANE Select); coding-DNA position 1396, C replaced by T.
Protein change: p.Gln466Ter; replaces glutamine 466 with a stop codon.
Molecular consequence: nonsense. On other transcripts: intron variant (1).
Genome position (GRCh38, 1-based): chr2:219,425,973, C>T. VCF-style: chr2-219425973-C-T. GRCh37 (hg19) VCF-style: chr2-220290695-C-T.
Other names: c.1393C>T, p.Gln465Ter (NM_001382708.1); c.964C>T, p.Gln322Ter (NM_001382709.1); c.1327C>T, p.Gln443Ter (NM_001382710.1); c.1375C>T, p.Gln459Ter (NM_001382711.1); c.1126C>T, p.Gln376Ter (NM_001382713.1); c.1371+228C>T (NM_001382712.1); short protein forms Q322*, Q376*, Q443*, Q459*, Q465*, Q466*.
Identifiers: ClinVar variation 3075876 (VCV003075876.6), dbSNP rs2545264805, ClinGen allele CA350699098.

ClinVar aggregate classification (germline): Conflicting classifications of pathogenicity. Review status: criteria provided, conflicting classifications (1 of 4 stars). 3 submissions from 3 submitters: Likely pathogenic (1); Uncertain significance (2). Last evaluated 2026-09-09.

Conditions:
Cardiovascular phenotype. Identifiers: MedGen CN230736.
Desmin-related myofibrillar myopathy (MFM1). Also called: Desminopathy; Desmin related myopathy (former name); Desmin storage myopathy (former name); MYOFIBRILLAR MYOPATHY WITH ARRHYTHMOGENIC RIGHT VENTRICULAR CARDIOMYOPATHY; DESMIN-RELATED MYOPATHY WITH ARRHYTHMOGENIC RIGHT VENTRICULAR CARDIOMYOPATHY; Myofibrillar myopathy 1. Identifiers: Orphanet 363543, Orphanet 98909, MedGen C1832370, MONDO:0011076, OMIM 601419.

Submissions (3):

Ambry Genetics
Classification: Uncertain significance for Cardiovascular phenotype. Last evaluated: 2026-09-09. Review status: criteria provided, single submitter. Criteria: Ambry Variant Classification Scheme 2023. Collection method: clinical testing. Allele origin: germline.
Comment: The p.Q466* variant (also known as c.1396C>T), located in coding exon 9 of the DES gene, results from a C to T substitution at nucleotide position 1396. This changes the amino acid from a glutamine to a stop codon within coding exon 9. This variant occurs at the 3' terminus of the gene, is not expected to trigger nonsense-mediated mRNAdecay, and impacts the last 1% of the protein. The exact functional effect of this variant is unknown. Based on the available evidence, the clinical significance of this variant remains unclear.

CeGaT Center for Human Genetics Tuebingen
Classification: Uncertain significance. Last evaluated: 2026-01-01. Review status: criteria provided, single submitter. Criteria: CeGaT Center For Human Genetics Tuebingen Variant Classification Criteria Version 2. Collection method: clinical testing. Allele origin: germline. Affected: yes. Observed: 1 variant allele.
Comment: DES: PM2, PVS1:Supporting

Laboratory for Molecular Medicine, Mass General Brigham Personalized Medicine
Classification: Likely pathogenic for Desmin-related myofibrillar myopathy. Last evaluated: 2022-08-26. Review status: criteria provided, single submitter. Criteria: ACMG Guidelines, 2015. Collection method: clinical testing. Allele origin: germline.
Comment: The p.Gln466X variant in DES has not been previously reported in individuals with desmin-related myopathy and was absent in large population databases. This nonsense variant leads to a premature termination codon at position 466, which is predicted to lead to a truncated or absent protein. Heterozygous loss of function of the DES gene is an established disease mechanism in desmin-related myopathy. In summary, although additional studies are required to fully establish its clinical significance, the p.Gln466X variant is likely pathogenic for autosomal dominant desmin-related myopathy. ACMG/AMP Criteria applied: PVS1, PM2_Supporting.